The following is an entry in ClinVar:

ClinVar aggregate classification (germline): Benign. Review status: criteria provided, multiple submitters, no conflicts (2 of 4 stars). 3 submissions from 3 submitters: Benign (2). 1 of the submissions does not count toward it. Last evaluated 2018-04-20.

Conditions:
CABIN1-related disorder. Also called: CABIN1-related condition.

Allele frequency attached by ClinVar (database versions not stated): gnomAD exomes 0.00076 and 0.00205; ExAC 0.00264; gnomAD 0.00812; TOPMed 0.00893; 1000 Genomes Project 0.00938; ESP Exome Variant Server 0.00969; 1000 Genomes Project 30x 0.00984.
gnomAD v4.1: 2,442 of 1,614,174 alleles (0.15%); highest among the groups gnomAD compares: African/African-American, 2.9%; 30 homozygotes.

Submissions (3):

Labcorp Genetics (formerly Invitae), Labcorp
Classification: Benign. Last evaluated: 2018-04-20. Review status: criteria provided, single submitter. Criteria: Invitae Variant Classification Sherloc (09022015). Collection method: clinical testing. Allele origin: germline.

Breakthrough Genomics
Classification: Benign. Review status: criteria provided, single submitter. Criteria: ACMG Guidelines, 2015. Collection method: not provided. Allele origin: germline. Inheritance: Unknown mechanism. Affected: yes.

PreventionGenetics, part of Exact Sciences
Classification: Benign for CABIN1-related condition. Last evaluated: 2019-05-01. Review status: no assertion criteria provided. Collection method: clinical testing. Allele origin: germline. Not counted in ClinVar's aggregate classification.
Comment: This variant is classified as benign based on ACMG/AMP sequence variant interpretation guidelines (Richards et al. 2015 PMID: 25741868, with internal and published modifications).

NM_012295.4(CABIN1):c.2620C>T (p.Pro874Ser)

Gene: CABIN1 (calcineurin binding protein 1; plus strand). Cytogenetic location: 22q11.23.
Variant type: single nucleotide variant.
Coding change: c.2620C>T on transcript NM_012295.4 (MANE Select); coding-DNA position 2620, C replaced by T.
Protein change: p.Pro874Ser; replaces proline 874 with serine.
Molecular consequence: missense variant.
Genome position (GRCh38, 1-based): chr22:24,072,498, C>T. VCF-style: chr22-24072498-C-T. GRCh37 (hg19) VCF-style: chr22-24468448-C-T.
Other names: c.2620C>T, p.Pro874Ser (NM_001199281.1); c.2470C>T, p.Pro824Ser (NM_001201429.2); short protein forms P824S, P874S.
Identifiers: ClinVar variation 788629 (VCV000788629.6), dbSNP rs142541555, ClinGen allele CA10148929.